The following is an entry in ClinVar:

ClinVar aggregate classification (germline): Benign/Likely benign. Review status: criteria provided, multiple submitters, no conflicts (2 of 4 stars). 7 submissions from 7 submitters: Benign (6); Likely benign (1). Last evaluated 2026-01-21.

Conditions:
PLEC-related disorder. Also called: PLEC-related condition; PLEC-related disorders.
Autosomal recessive limb-girdle muscular dystrophy type 2Q (LGMDR17). Also called: MUSCULAR DYSTROPHY, LIMB-GIRDLE, AUTOSOMAL RECESSIVE 17. Identifiers: Orphanet 254361, MedGen C3150989, MONDO:0013390, OMIM 613723.
Epidermolysis bullosa simplex with nail dystrophy (EBS5D). Identifiers: MedGen C4225309, MONDO:0014661, OMIM 616487.
Epidermolysis bullosa simplex 5C, with pyloric atresia (EBS5C). Also called: PLEC-Related Epidermolysis Bullosa with Pyloric Atresia; PLEC1-Related Epidermolysis Bullosa with Pyloric Atresia; Epidermolysis bullosa simplex with pyloric atresia. Identifiers: Orphanet 158684, MedGen C2677349, MONDO:0012807, OMIM 612138.
Epidermolysis bullosa simplex, Ogna type (EBS5A). Also called: Pidermolysis bullosa simplex 5A, Ogna type; EPIDERMOLYSIS BULLOSA SIMPLEX 5A, OGNA TYPE. Identifiers: Orphanet 79401, MedGen C0432317, MONDO:0007555, OMIM 131950.
Epidermolysis bullosa simplex 5B, with muscular dystrophy (EBS5B). Also called: Epidermolysis bullosa simplex with muscular dystrophy; EPIDERMOLYSIS BULLOSA SIMPLEX AND LIMB-GIRDLE MUSCULAR DYSTROPHY. Identifiers: Orphanet 257, MedGen C2931072, MONDO:0009181, OMIM 226670.

Allele frequency attached by ClinVar (database versions not stated): gnomAD 0.00001 and 0.00042; TOPMed 0.00007; ESP Exome Variant Server 0.00008; gnomAD exomes 0.00073 and 0.00161; ExAC 0.00184; 1000 Genomes Project 30x 0.00265; 1000 Genomes Project 0.00300.
gnomAD v4.1: 1,125 of 1,610,686 alleles (0.07%); highest among the groups gnomAD compares: South Asian, 1.2%; 12 homozygotes.

Submissions (7):

Labcorp Genetics (formerly Invitae), Labcorp
Classification: Benign for Autosomal recessive limb-girdle muscular dystrophy type 2Q; Epidermolysis bullosa simplex, Ogna type; Epidermolysis bullosa simplex with nail dystrophy; Epidermolysis bullosa simplex 5C, with pyloric atresia; Epidermolysis bullosa simplex 5B, with muscular dystrophy. Last evaluated: 2026-01-21. Review status: criteria provided, single submitter. Criteria: Invitae Variant Classification Sherloc (09022015). Collection method: clinical testing. Allele origin: germline.

PreventionGenetics, part of Exact Sciences
Classification: Benign for PLEC-related condition. Last evaluated: 2024-12-21. Review status: criteria provided, single submitter. Criteria: ACMG Guidelines, 2015. Collection method: clinical testing. Allele origin: germline.
Comment: This variant is classified as benign based on ACMG/AMP sequence variant interpretation guidelines (Richards et al. 2015 PMID: 25741868, with internal and published modifications).

Blueprint Genetics
Classification: Likely benign. Last evaluated: 2024-11-07. Review status: criteria provided, single submitter. Criteria: ACMG Guidelines, 2015. Collection method: clinical testing. Allele origin: germline.

Athena Diagnostics
Classification: Benign. Last evaluated: 2024-08-29. Review status: criteria provided, single submitter. Criteria: Athena Diagnostics Criteria. Collection method: clinical testing. Allele origin: unknown.

CeGaT Center for Human Genetics Tuebingen
Classification: Benign. Last evaluated: 2023-12-01. Review status: criteria provided, single submitter. Criteria: CeGaT Center For Human Genetics Tuebingen Variant Classification Criteria Version 2. Collection method: clinical testing. Allele origin: germline. Affected: yes. Observed: 1 variant allele.
Comment: PLEC: BP4, BS1, BS2

GeneDx
Classification: Benign. Last evaluated: 2020-08-10. Review status: criteria provided, single submitter. Criteria: GeneDx Variant Classification Process June 2021. Collection method: clinical testing. Allele origin: germline. Affected: yes.

Eurofins Ntd Llc (ga)
Classification: Benign. Last evaluated: 2015-10-23. Review status: criteria provided, single submitter. Criteria: EGL Classification Definitions 2015. Collection method: clinical testing. Allele origin: germline. Observed: 1 variant allele, 1 heterozygote.

NM_201384.3(PLEC):c.12549C>T (p.Ile4183=)

Gene: PLEC (plectin; minus strand). Cytogenetic location: 8q24.3.
Variant type: single nucleotide variant.
Coding change: c.12549C>T on transcript NM_201384.3 (MANE Select); coding-DNA position 12549, C replaced by T.
Protein change: p.Ile4183=; no amino-acid change (isoleucine 4183 retained).
Molecular consequence: synonymous variant.
Genome position (GRCh38, 1-based): chr8:143,917,272, G>A on the plus strand (C>T on the coding strand, the complement: PLEC is on the minus strand). VCF-style: chr8-143917272-G-A. GRCh37 (hg19) VCF-style: chr8-144991440-G-A.
Other names: c.12630C>T, p.Ile4210= (NM_000445.5); c.12507C>T, p.Ile4169= (NM_201378.4); c.12483C>T, p.Ile4161= (NM_201379.3); c.12960C>T, p.Ile4320= (NM_201380.4); c.12453C>T, p.Ile4151= (NM_201381.3); c.12549C>T, p.Ile4183= (NM_201382.4); c.12561C>T, p.Ile4187= (NM_201383.3).
Identifiers: ClinVar variation 284387 (VCV000284387.42), dbSNP rs199512865, ClinGen allele CA4924059.